The following is an entry in ClinVar:

ClinVar aggregate classification (germline): Benign/Likely benign. Review status: criteria provided, multiple submitters, no conflicts (2 of 4 stars). 7 submissions from 7 submitters: Benign (5); Likely benign (2). Last evaluated 2026-02-04.

Conditions:
Autoinflammatory syndrome. Identifiers: Orphanet 93665, MedGen C3890737, MONDO:0019751.
Chédiak-Higashi syndrome (CHS). Also called: Chediak-Higashi Syndrome. Identifiers: Orphanet 167, MedGen C0007965, MONDO:0008963, OMIM 214500.

Allele frequency attached by ClinVar (database versions not stated): 1000 Genomes Project 30x 0.00750; 1000 Genomes Project 0.00759; gnomAD 0.01140 and 0.01172; gnomAD exomes 0.01146; ExAC 0.01169; TOPMed 0.01274; ESP Exome Variant Server 0.01338.

Submissions (7):

Labcorp Genetics (formerly Invitae), Labcorp
Classification: Benign for Chédiak-Higashi syndrome. Last evaluated: 2026-02-04. Review status: criteria provided, single submitter. Criteria: Invitae Variant Classification Sherloc (09022015). Collection method: clinical testing. Allele origin: germline.

Blueprint Genetics
Classification: Likely benign. Last evaluated: 2024-11-26. Review status: criteria provided, single submitter. Criteria: ACMG Guidelines, 2015. Collection method: clinical testing. Allele origin: germline.

Mayo Clinic Laboratories, Mayo Clinic
Classification: Benign. Last evaluated: 2023-12-13. Review status: criteria provided, single submitter. Criteria: ACMG Guidelines, 2015. Collection method: clinical testing. Allele origin: germline. Observed: 79 variant alleles.
Comment: BS1, BS2, BP4, BP7

Genome Diagnostics Laboratory, The Hospital for Sick Children
Classification: Benign for Autoinflammatory syndrome. Last evaluated: 2021-05-26. Review status: criteria provided, single submitter. Criteria: ACMG Guidelines, 2015. Collection method: clinical testing. Allele origin: germline. Affected: yes.

GeneDx
Classification: Likely benign. Last evaluated: 2021-05-05. Review status: criteria provided, single submitter. Criteria: GeneDx Variant Classification Process June 2021. Collection method: clinical testing. Allele origin: germline. Affected: yes.

Laboratory for Molecular Medicine, Mass General Brigham Personalized Medicine
Classification: Benign. Last evaluated: 2016-03-28. Review status: criteria provided, single submitter. Criteria: LMM Criteria. Collection method: clinical testing. Allele origin: germline.
Comment: Variant identified in a genome or exome case(s) and assessed due to predicted null impact of the variant or pathogenic assertions in the literature or databases. Disclaimer: This variant has not undergone full assessment. The following are preliminary notes: MAF

PreventionGenetics, part of Exact Sciences
Classification: Benign. Review status: criteria provided, single submitter. Criteria: ACMG Guidelines, 2015. Collection method: clinical testing. Allele origin: germline.

NM_000081.4(LYST):c.9C>T (p.Thr3=)

Gene: LYST (lysosomal trafficking regulator; minus strand). Cytogenetic location: 1q42.3.
Variant type: single nucleotide variant.
Coding change: c.9C>T on transcript NM_000081.4 (MANE Select); coding-DNA position 9, C replaced by T.
Protein change: p.Thr3=; no amino-acid change (threonine 3 retained).
Molecular consequence: synonymous variant. On other transcripts: non-coding transcript variant (1).
Genome position (GRCh38, 1-based): chr1:235,830,409, G>A on the plus strand (C>T on the coding strand, the complement: LYST is on the minus strand). VCF-style: chr1-235830409-G-A. GRCh37 (hg19) VCF-style: chr1-235993709-G-A.
Other names: p.Thr3=; c.9C>T, p.Thr3= (NM_001301365.1); c.9C>T (NM_000081.2).
Identifiers: ClinVar variation 254942 (VCV000254942.27), dbSNP rs33998267, ClinGen allele CA1467757.